The following is an entry in ClinVar:

ClinVar aggregate classification (germline): Uncertain significance (1 of 4 stars; one submission).

Conditions:
Early-onset Lafora body disease. Also called: Epilepsy, progressive myoclonic, 10. Identifiers: Orphanet 324290, MedGen C4225258, MONDO:0014717, OMIM 616640.

Submission:

Labcorp Genetics (formerly Invitae), Labcorp
Classification: Uncertain significance for Early-onset Lafora body disease. Last evaluated: 2022-03-19. Review status: criteria provided, single submitter. Criteria: Invitae Variant Classification Sherloc (09022015). Collection method: clinical testing. Allele origin: germline.
Comment: In summary, the available evidence is currently insufficient to determine the role of this variant in disease. Therefore, it has been classified as a Variant of Uncertain Significance. This variant has not been reported in the literature in individuals affected with PRDM8-related conditions. This variant is present in population databases (rs771118168, gnomAD 0.005%). This variant, c.865_873dup, results in the insertion of 3 amino acid(s) of the PRDM8 protein (p.Ser289_Gly291dup), but otherwise preserves the integrity of the reading frame.

NM_001099403.2(PRDM8):c.865_873dup (p.Gly291_Gly292insSerGlyGly)

Gene: PRDM8 (PR/SET domain 8; plus strand). Cytogenetic location: 4q21.21.
Variant type: Duplication.
Coding change: c.865_873dup on transcript NM_001099403.2 (MANE Select); coding-DNA positions 865 to 873, 9 bases duplicated (AGCGGCGGC; older notation c.865_873dupAGCGGCGGC).
Protein change: p.Gly291_Gly292insSerGlyGly.
Molecular consequence: inframe insertion.
Genome position (GRCh38, 1-based): chr4:80,202,327-80,202,335, AGCGGCGGC duplicated; duplicating any 9 consecutive bases within chr4:80,202,322-80,202,335 gives the same sequence; the c. name uses the placement nearest the transcript's 3' end. VCF-style (leftmost placement, unchanged base first): chr4-80202321-A-AGCGGCAGCG. GRCh37 (hg19) VCF-style: chr4-81123475-A-AGCGGCAGCG.
Other names: c.865_873dup, p.Gly291_Gly292insSerGlyGly (NM_020226.4).
Identifiers: ClinVar variation 2114398 (VCV002114398.4), dbSNP rs1553905774, ClinGen allele CA2982339.